The following is an entry in ClinVar:

NM_001142800.2(EYS):c.9181A>G (p.Asn3061Asp)

Genes: EYS (EGF-like photoreceptor maintenance factor; minus strand), PHF3 (PHD finger protein 3; plus strand). Cytogenetic location: 6q12.
Variant type: single nucleotide variant.
Coding change: c.9181A>G on transcript NM_001142800.2 (MANE Select); coding-DNA position 9181, A replaced by G.
Protein change: p.Asn3061Asp; replaces asparagine 3061 with aspartic acid.
Molecular consequence: missense variant. On other transcripts: 3 prime UTR variant (5).
Genome position (GRCh38, 1-based): chr6:63,720,850, T>C on the plus strand (A>G on the coding strand, the complement: EYS is on the minus strand). VCF-style: chr6-63720850-T-C. GRCh37 (hg19) VCF-style: chr6-64430746-T-C.
Other names: c.*7142T>C (NM_001290259.2, NM_001370348.2, NM_001370349.2 and 2 more transcripts); c.9244A>G, p.Asn3082Asp (NM_001292009.2); short protein forms N3061D, N3082D.
Identifiers: ClinVar variation 3635300 (VCV003635300.2).

ClinVar aggregate classification (germline): Uncertain significance (1 of 4 stars; one submission).

Submission:

Labcorp Genetics (formerly Invitae), Labcorp
Classification: Uncertain significance. Last evaluated: 2024-05-14. Review status: criteria provided, single submitter. Criteria: Invitae Variant Classification Sherloc (09022015). Collection method: clinical testing. Allele origin: germline.
Comment: This sequence change replaces asparagine, which is neutral and polar, with aspartic acid, which is acidic and polar, at codon 3061 of the EYS protein (p.Asn3061Asp). This variant is not present in population databases (gnomAD no frequency). This variant has not been reported in the literature in individuals affected with EYS-related conditions. Algorithms developed to predict the effect of missense changes on protein structure and function output the following: SIFT: "Not Available"; PolyPhen-2: "Benign"; Align-GVGD: "Not Available". The aspartic acid amino acid residue is found in multiple mammalian species, which suggests that this missense change does not adversely affect protein function. In summary, the available evidence is currently insufficient to determine the role of this variant in disease. Therefore, it has been classified as a Variant of Uncertain Significance.